The following is an entry in ClinVar:

ClinVar aggregate classification (germline): Benign/Likely benign. Review status: criteria provided, multiple submitters, no conflicts (2 of 4 stars). 3 submissions from 3 submitters: Benign (1); Likely benign (2). Last evaluated 2026-01-26.

Conditions:
Renal tubular dysgenesis. Also called: Renotubular dysgenesis. Identifiers: Orphanet 3033, MedGen C0266313, MONDO:0017609, HP:0008660.

Allele frequency attached by ClinVar (database versions not stated): ESP Exome Variant Server 0.00023; TOPMed 0.00047; 1000 Genomes Project 30x 0.00062; 1000 Genomes Project 0.00080.
gnomAD v4.1: 760 of 1,613,874 alleles (0.047%); highest among the groups gnomAD compares: Middle Eastern, 0.15%; 5 homozygotes.

Submissions (3):

Labcorp Genetics (formerly Invitae), Labcorp
Classification: Benign. Last evaluated: 2026-01-26. Review status: criteria provided, single submitter. Criteria: Invitae Variant Classification Sherloc (09022015). Collection method: clinical testing. Allele origin: germline.

Blueprint Genetics
Classification: Likely benign. Last evaluated: 2024-11-27. Review status: criteria provided, single submitter. Criteria: ACMG Guidelines, 2015. Collection method: clinical testing. Allele origin: germline.

Illumina Laboratory Services, Illumina
Classification: Likely benign for Renal tubular dysgenesis of genetic origin. Last evaluated: 2017-04-27. Review status: criteria provided, single submitter. Criteria: ICSL Variant Classification Criteria 13 December 2019. Collection method: clinical testing. Allele origin: germline.
Comment: This variant was observed as part of a predisposition screen in an ostensibly healthy population. A literature search was performed for the gene, cDNA change, and amino acid change (where applicable). No publications were found based on this search. Allele frequency data from public databases allowed determination this variant is unlikely to cause disease. Therefore, this variant is classified as likely benign.

NM_000789.4(ACE):c.955G>T (p.Ala319Ser)

Gene: ACE (angiotensin I converting enzyme; plus strand). Cytogenetic location: 17q23.3.
Variant type: single nucleotide variant.
Coding change: c.955G>T on transcript NM_000789.4 (MANE Select); coding-DNA position 955, G replaced by T.
Protein change: p.Ala319Ser; replaces alanine 319 with serine.
Molecular consequence: missense variant.
Genome position (GRCh38, 1-based): chr17:63,481,575, G>T. VCF-style: chr17-63481575-G-T. GRCh37 (hg19) VCF-style: chr17-61558936-G-T.
Other names: short protein forms A319S.
Identifiers: ClinVar variation 891018 (VCV000891018.10), dbSNP rs34126458, ClinGen allele CA8699342.